The following is an entry in ClinVar:

NM_001365951.3(KIF1B):c.2986G>T (p.Val996Phe)

Gene: KIF1B (kinesin family member 1B; plus strand). Cytogenetic location: 1p36.22.
Variant type: single nucleotide variant.
Coding change: c.2986G>T on transcript NM_001365951.3 (MANE Select); coding-DNA position 2986, G replaced by T.
Protein change: p.Val996Phe; replaces valine 996 with phenylalanine.
Molecular consequence: missense variant.
Genome position (GRCh38, 1-based): chr1:10,334,581, G>T. VCF-style: chr1-10334581-G-T. GRCh37 (hg19) VCF-style: chr1-10394639-G-T.
Other names: c.2986G>T, p.Val996Phe (NM_001365952.1); c.2848G>T, p.Val950Phe (NM_015074.3); short protein forms V996F, V950F.
Identifiers: ClinVar variation 3288414 (VCV003288414.1).

ClinVar aggregate classification (germline): Uncertain significance (1 of 4 stars; one submission).

Submission:

Ambry Genetics
Classification: Uncertain significance. Last evaluated: 2024-04-06. Review status: criteria provided, single submitter. Criteria: Ambry Variant Classification Scheme 2023. Collection method: clinical testing. Allele origin: germline.
Comment: The p.V950F variant (also known as c.2848G>T), located in coding exon 25 of the KIF1B gene, results from a G to T substitution at nucleotide position 2848. The valine at codon 950 is replaced by phenylalanine, an amino acid with highly similar properties. This amino acid position is conserved. In addition, this alteration is predicted to be deleterious by in silico analysis. Based on the available evidence, the clinical significance of this variant remains unclear.